The following is an entry in ClinVar:

ClinVar aggregate classification (germline): Uncertain significance (1 of 4 stars; one submission).

Conditions:
Neurodevelopmental disorder with severe motor impairment and absent language. Also called: NEURODEVELOPMENTAL DISORDER WITH VARIABLE MOTOR AND LANGUAGE IMPAIRMENT. Identifiers: Orphanet 647788, MedGen C4540496, MONDO:0060622, OMIM 617804.

gnomAD v4.1: 1 of 1,609,778 alleles (0.000062%); highest among the groups gnomAD compares: Non-Finnish European, 0.000085%; no homozygotes.

Submission:

Institute of Human Genetics, University of Leipzig Medical Center
Classification: Uncertain significance for Neurodevelopmental disorder with severe motor impairment and absent language. Last evaluated: 2025-07-14. Review status: criteria provided, single submitter. Criteria: ACMG Guidelines, 2015. Collection method: clinical testing. Allele origin: paternal. Inheritance: Autosomal dominant inheritance. Affected: yes.
Comment: Criteria applied: PM2_SUP,BS2

NM_138615.3(DHX30):c.2929+6T>C

Gene: DHX30 (DExH-box helicase 30; plus strand). Cytogenetic location: 3p21.31.
Variant type: single nucleotide variant.
Coding change: c.2929+6T>C on transcript NM_138615.3 (MANE Select); 6 bases into the intron after coding-DNA position 2929, T replaced by C.
Molecular consequence: intron variant.
Genome position (GRCh38, 1-based): chr3:47,849,085, T>C. VCF-style: chr3-47849085-T-C. GRCh37 (hg19) VCF-style: chr3-47890575-T-C.
Other names: c.2812+6T>C (NM_014966.4); c.2845+6T>C (NM_001330990.2).
Identifiers: ClinVar variation 4082337 (VCV004082337.2).